The following is an entry in ClinVar:

ClinVar aggregate classification (germline): Uncertain significance (1 of 4 stars; one submission).

Conditions:
Biotin-responsive basal ganglia disease (BTBGD). Also called: THIAMINE METABOLISM DYSFUNCTION SYNDROME 2 (BIOTIN- AND THIAMINE-RESPONSIVE TYPE); Thiamine Transporter-2 Deficiency; Thiamine metabolism dysfunction syndrome 2 (biotin- or thiamine-responsive encephalopathy type 2); thiamine-responsive encephalopathy; Thiamine metabolism dysfunction syndrome type 2. Identifiers: Orphanet 199348, Orphanet 65284, MedGen C1843807, MONDO:0011841, OMIM 607483.

Submission:

Labcorp Genetics (formerly Invitae), Labcorp
Classification: Uncertain significance for Biotin-responsive basal ganglia disease. Last evaluated: 2022-07-11. Review status: criteria provided, single submitter. Criteria: Invitae Variant Classification Sherloc (09022015). Collection method: clinical testing. Allele origin: germline.
Comment: In summary, the available evidence is currently insufficient to determine the role of this variant in disease. Therefore, it has been classified as a Variant of Uncertain Significance. Algorithms developed to predict the effect of missense changes on protein structure and function are either unavailable or do not agree on the potential impact of this missense change (SIFT: "Deleterious"; PolyPhen-2: "Benign"; Align-GVGD: "Class C0"). ClinVar contains an entry for this variant (Variation ID: 1393655). This variant has not been reported in the literature in individuals affected with SLC19A3-related conditions. This variant is not present in population databases (gnomAD no frequency). This sequence change replaces asparagine, which is neutral and polar, with threonine, which is neutral and polar, at codon 53 of the SLC19A3 protein (p.Asn53Thr).

NM_025243.4(SLC19A3):c.158A>C (p.Asn53Thr)

Gene: SLC19A3 (solute carrier family 19 member 3; minus strand). Cytogenetic location: 2q36.3.
Variant type: single nucleotide variant.
Coding change: c.158A>C on transcript NM_025243.4 (MANE Select); coding-DNA position 158, A replaced by C.
Protein change: p.Asn53Thr; replaces asparagine 53 with threonine.
Molecular consequence: missense variant.
Genome position (GRCh38, 1-based): chr2:227,699,557, T>G on the plus strand (A>C on the coding strand, the complement: SLC19A3 is on the minus strand). VCF-style: chr2-227699557-T-G. GRCh37 (hg19) VCF-style: chr2-228564273-T-G.
Other names: c.158A>C, p.Asn53Thr (NM_001371411.1, NM_001371412.1); c.146A>C, p.Asn49Thr (NM_001371413.1, NM_001371414.1); short protein forms N49T, N53T.
Identifiers: ClinVar variation 1393655 (VCV001393655.6), dbSNP rs2106329724, ClinGen allele CA350877812.